The following is an entry in ClinVar:

ClinVar aggregate classification (germline): Uncertain significance (1 of 4 stars; one submission).

Conditions:
Hereditary breast ovarian cancer syndrome. Also called: Hereditary breast and ovarian cancer syndrome; Hereditary breast and ovarian cancer syndrome (HBOC); BRCA1- and BRCA2-Associated Hereditary Breast and Ovarian Cancer; Hereditary breast and ovarian cancer; Breast and ovarian cancer; Hereditary breast and/or ovarian cancer syndrome. Identifiers: Orphanet 145, MedGen C0677776, MeSH D061325, MONDO:0003582. Disease mechanism: loss of function.

Submission:

Labcorp Genetics (formerly Invitae), Labcorp
Classification: Uncertain significance for Hereditary breast ovarian cancer syndrome. Last evaluated: 2024-10-04. Review status: criteria provided, single submitter. Criteria: Invitae Variant Classification Sherloc (09022015). Collection method: clinical testing. Allele origin: germline.
Comment: This sequence change replaces histidine, which is basic and polar, with glutamine, which is neutral and polar, at codon 662 of the BRCA1 protein (p.His662Gln). This variant is not present in population databases (gnomAD no frequency). This variant has not been reported in the literature in individuals affected with BRCA1-related conditions. Invitae Evidence Modeling of protein sequence and biophysical properties (such as structural, functional, and spatial information, amino acid conservation, physicochemical variation, residue mobility, and thermodynamic stability) indicates that this missense variant is not expected to disrupt BRCA1 protein function with a negative predictive value of 80%. In summary, the available evidence is currently insufficient to determine the role of this variant in disease. Therefore, it has been classified as a Variant of Uncertain Significance.

NM_007294.4(BRCA1):c.1986C>G (p.His662Gln)

Gene: BRCA1 (BRCA1 DNA repair associated; minus strand). Cytogenetic location: 17q21.31.
Variant type: single nucleotide variant.
Coding change: c.1986C>G on transcript NM_007294.4 (MANE Select); coding-DNA position 1986, C replaced by G.
Protein change: p.His662Gln; replaces histidine 662 with glutamine.
Molecular consequence: missense variant. On other transcripts: intron variant (137).
Genome position (GRCh38, 1-based): chr17:43,093,545, G>C on the plus strand (C>G on the coding strand, the complement: BRCA1 is on the minus strand). VCF-style: chr17-43093545-G-C. GRCh37 (hg19) VCF-style: chr17-41245562-G-C.
Other names: c.1908C>G, p.His636Gln (NM_001407654.1, NM_001407655.1, NM_001407656.1 and 4 more transcripts); c.670+2301C>G (NM_001408420.1, NM_001408423.1, NM_001408419.1 and 2 more transcripts); c.787+1199C>G (NM_001408404.1, NM_001408472.1, NM_001407990.1 and 19 more transcripts); c.1905C>G, p.His635Gln (NM_001407659.1, NM_001407662.1, NM_001407660.1 and 1 more transcripts); c.577+1199C>G (NM_001408492.1, NM_001408513.1, NM_001408481.1 and 9 more transcripts); c.643+1199C>G (NM_001408468.1, NM_001408470.1, NM_001408464.1 and 3 more transcripts); c.1863C>G, p.His621Gln (NM_001407664.1, NM_001407665.1, NM_001407668.1 and 19 more transcripts); c.523+1199C>G (NM_001408501.1, NM_001408500.1, NM_001408498.1 and 3 more transcripts); and 40 more; short protein forms H494Q, H535Q, H614Q, H621Q, H661Q, H534Q, H550Q, H573Q.
Identifiers: ClinVar variation 3634677 (VCV003634677.2).